The following is an entry in ClinVar:

NM_024757.5(EHMT1):c.2622G>A (p.Trp874Ter)

Gene: EHMT1 (euchromatic histone lysine methyltransferase 1; plus strand). Cytogenetic location: 9q34.3.
Variant type: single nucleotide variant.
Coding change: c.2622G>A on transcript NM_024757.5 (MANE Select); coding-DNA position 2622, G replaced by A.
Protein change: p.Trp874Ter; replaces tryptophan 874 with a stop codon.
Molecular consequence: nonsense.
Genome position (GRCh38, 1-based): chr9:137,800,894, G>A. VCF-style: chr9-137800894-G-A. GRCh37 (hg19) VCF-style: chr9-140695346-G-A.
Other names: c.2601G>A, p.Trp867Ter (NM_001354263.2); short protein forms W874*, W867*.
Identifiers: ClinVar variation 391571 (VCV000391571.2), dbSNP rs1057524142, ClinGen allele CA16605814.

ClinVar aggregate classification (germline): Pathogenic (1 of 4 stars; one submission).

Submission:

GeneDx
Classification: Pathogenic. Last evaluated: 2016-12-22. Review status: criteria provided, single submitter. Criteria: GeneDx Variant Classification (06012015). Collection method: clinical testing. Allele origin: germline. Affected: yes.
Comment: The W874X variant in the EHMT1 gene has not been reported previously as a pathogenic variant nor as a benign variant, to our knowledge. This variant is predicted to cause loss of normal protein function either through protein truncation or nonsense-mediated mRNA decay. The W874X variant was not observed in approximately 6500 individuals of European and African American ancestry in the NHLBI Exome Sequencing Project, indicating it is not a common benign variant in these populations. We interpret W874X as a pathogenic variant